The following is an entry in ClinVar:

NM_003072.5(SMARCA4):c.1129C>T (p.Arg377Cys)

Gene: SMARCA4 (SWI/SNF related BAF chromatin remodeling complex subunit ATPase 4; plus strand). Cytogenetic location: 19p13.2.
Variant type: single nucleotide variant.
Coding change: c.1129C>T on transcript NM_003072.5 (MANE Select); coding-DNA position 1129, C replaced by T.
Protein change: p.Arg377Cys; replaces arginine 377 with cysteine.
Molecular consequence: missense variant. On other transcripts: non-coding transcript variant (1).
Genome position (GRCh38, 1-based): chr19:10,989,327, C>T. VCF-style: chr19-10989327-C-T. GRCh37 (hg19) VCF-style: chr19-11100003-C-T.
Other names: c.1129C>T, p.Arg377Cys (NM_001128844.3, NM_001128845.2, NM_001128846.2 and 6 more transcripts); short protein forms R377C.
Identifiers: ClinVar variation 2186108 (VCV002186108.4), dbSNP rs2086347682, ClinGen allele CA404059369.

ClinVar aggregate classification (germline): Uncertain significance (1 of 4 stars; one submission).

Conditions:
Rhabdoid tumor predisposition syndrome 2 (RTPS2). Identifiers: Orphanet 231108, Orphanet 69077, MedGen C2750074, MONDO:0013224, OMIM 613325.

Allele frequency attached by ClinVar (database versions not stated): gnomAD 0.00001.
gnomAD v4.1: 1 of 1,613,936 alleles (0.000062%); highest among the groups gnomAD compares: African/African-American, 0.0013%; no homozygotes.

Submission:

Labcorp Genetics (formerly Invitae), Labcorp
Classification: Uncertain significance for Rhabdoid tumor predisposition syndrome 2. Last evaluated: 2025-03-17. Review status: criteria provided, single submitter. Criteria: Invitae Variant Classification Sherloc (09022015). Collection method: clinical testing. Allele origin: germline.
Comment: This sequence change replaces arginine, which is basic and polar, with cysteine, which is neutral and slightly polar, at codon 377 of the SMARCA4 protein (p.Arg377Cys). This variant is not present in population databases (gnomAD no frequency). This variant has not been reported in the literature in individuals affected with SMARCA4-related conditions. ClinVar contains an entry for this variant (Variation ID: 2186108). Invitae Evidence Modeling of protein sequence and biophysical properties (such as structural, functional, and spatial information, amino acid conservation, physicochemical variation, residue mobility, and thermodynamic stability) indicates that this missense variant is expected to disrupt SMARCA4 protein function with a positive predictive value of 95%. In summary, the available evidence is currently insufficient to determine the role of this variant in disease. Therefore, it has been classified as a Variant of Uncertain Significance.